The following is an entry in ClinVar:

ClinVar aggregate classification (germline): Uncertain significance. Review status: criteria provided, multiple submitters, no conflicts (2 of 4 stars). 3 submissions from 3 submitters: Uncertain significance (3). Last evaluated 2026-02-01.

Conditions:
Inborn genetic diseases. Identifiers: MedGen C0950123, MeSH D030342.

Allele frequency attached by ClinVar (database versions not stated): gnomAD exomes 0.00001 and 0.00003; gnomAD 0.00004 and 0.00005; ExAC 0.00005; TOPMed 0.00011; 1000 Genomes Project 30x 0.00016; 1000 Genomes Project 0.00020.
gnomAD v4.1: 33 of 1,614,154 alleles (0.002%); highest among the groups gnomAD compares: African/African-American, 0.0093%; no homozygotes.

Submissions (3):

Labcorp Genetics (formerly Invitae), Labcorp
Classification: Uncertain significance. Last evaluated: 2026-02-01. Review status: criteria provided, single submitter. Criteria: Invitae Variant Classification Sherloc (09022015). Collection method: clinical testing. Allele origin: germline.
Comment: This sequence change replaces arginine, which is basic and polar, with tryptophan, which is neutral and slightly polar, at codon 685 of the EMC1 protein (p.Arg685Trp). This variant is present in population databases (rs550787407, gnomAD 0.007%). This variant has not been reported in the literature in individuals affected with EMC1-related conditions. ClinVar contains an entry for this variant (Variation ID: 1495545). Invitae Evidence Modeling of protein sequence and biophysical properties (such as structural, functional, and spatial information, amino acid conservation, physicochemical variation, residue mobility, and thermodynamic stability) indicates that this missense variant is expected to disrupt EMC1 protein function with a positive predictive value of 80%. In summary, the available evidence is currently insufficient to determine the role of this variant in disease. Therefore, it has been classified as a Variant of Uncertain Significance.

Ambry Genetics
Classification: Uncertain significance for Inborn genetic diseases. Last evaluated: 2024-01-12. Review status: criteria provided, single submitter. Criteria: Ambry Variant Classification Scheme 2023. Collection method: clinical testing. Allele origin: germline.

Blueprint Genetics
Classification: Uncertain significance. Last evaluated: 2022-11-15. Review status: criteria provided, single submitter. Criteria: ACMG Guidelines, 2015. Collection method: clinical testing. Allele origin: germline.

NM_015047.3(EMC1):c.2053C>T (p.Arg685Trp)

Genes: EMC1 (ER membrane protein complex subunit 1; minus strand), EMC1-AS1 (EMC1 antisense RNA 1; plus strand). Cytogenetic location: 1p36.13.
Variant type: single nucleotide variant.
Coding change: c.2053C>T on transcript NM_015047.3 (MANE Select); coding-DNA position 2053, C replaced by T.
Protein change: p.Arg685Trp; replaces arginine 685 with tryptophan.
Molecular consequence: missense variant.
Genome position (GRCh38, 1-based): chr1:19,230,855, G>A on the plus strand (C>T on the coding strand, the complement: EMC1 is on the minus strand). VCF-style: chr1-19230855-G-A. GRCh37 (hg19) VCF-style: chr1-19557349-G-A.
Other names: c.2050C>T, p.Arg684Trp (NM_001271427.2, NM_001271428.2); c.1987C>T, p.Arg663Trp (NM_001271429.2); c.2062C>T, p.Arg688Trp (NM_001375820.1); c.2059C>T, p.Arg687Trp (NM_001375821.1); c.2053C>T (NM_015047.1); short protein forms R663W, R685W, R684W, R687W, R688W.
Identifiers: ClinVar variation 1495545 (VCV001495545.8), dbSNP rs550787407, ClinGen allele CA652421.